The following is an entry in ClinVar:

NM_001844.5(COL2A1):c.611G>A (p.Gly204Asp)

Gene: COL2A1 (collagen type II alpha 1 chain; minus strand). Cytogenetic location: 12q13.11.
Variant type: single nucleotide variant.
Coding change: c.611G>A on transcript NM_001844.5 (MANE Select); coding-DNA position 611, G replaced by A.
Protein change: p.Gly204Asp; replaces glycine 204 with aspartic acid.
Molecular consequence: missense variant.
Genome position (GRCh38, 1-based): chr12:47,995,918, C>T on the plus strand (G>A on the coding strand, the complement: COL2A1 is on the minus strand). VCF-style: chr12-47995918-C-T. GRCh37 (hg19) VCF-style: chr12-48389701-C-T.
Other names: c.404G>A, p.Gly135Asp (NM_033150.3); short protein forms G135D, G204D.
Identifiers: ClinVar variation 2760128 (VCV002760128.3), dbSNP rs2540175512, ClinGen allele CA384523984.
Genomic context (GRCh38, chr12:47,995,918, plus strand): 5'-GAATTGCAGATACTTACAGGAGCACCTGCAGGGCCTGGAGGTCCTCGAGGTCCCATGGGG[C>T]CCTGCATCGGAACAGAAAATGAGGGGTTTACTACACATGCTTCCTCAGTGGCCTCCAGTG-3'
Protein context (NP_001835.3, residues 194-214): AQLGVMQGPM[Gly204Asp]PMGPRGPPGP

ClinVar aggregate classification (germline): Likely pathogenic (1 of 4 stars; one submission).

Submission:

Labcorp Genetics (formerly Invitae), Labcorp
Classification: Likely pathogenic. Last evaluated: 2025-06-02. Review status: criteria provided, single submitter. Criteria: Invitae Variant Classification Sherloc (09022015). Collection method: clinical testing. Allele origin: germline.
Comment: This sequence change replaces glycine, which is neutral and non-polar, with aspartic acid, which is acidic and polar, at codon 204 of the COL2A1 protein (p.Gly204Asp). This variant is not present in population databases (gnomAD no frequency). This variant has not been reported in the literature in individuals affected with COL2A1-related conditions. ClinVar contains an entry for this variant (Variation ID: 2760128). Experimental studies and prediction algorithms are not available or were not evaluated, and the functional significance of this variant is currently unknown. This variant disrupts the triple helix domain of COL2A1. Glycine residues within the Gly-Xaa-Yaa repeats of the triple helix domain are required for the structure and stability of fibrillar collagens (PMID: 7695699, 8218237, 19344236). In COL2A1, variants affecting these glycine residues are significantly enriched in individuals with disease (PMID: 9016532, 17078022) compared to the general population (ExAC). In summary, the currently available evidence indicates that the variant is pathogenic, but additional data are needed to prove that conclusively. Therefore, this variant has been classified as Likely Pathogenic.

Literature cited by the submitters: PubMed 7695699; PubMed 8218237; PubMed 19344236; PubMed 9016532; PubMed 17078022.